The following is an entry in ClinVar:

ClinVar aggregate classification (germline): Pathogenic (1 of 4 stars; one submission).

Submission:

CeGaT Center for Human Genetics Tuebingen
Classification: Pathogenic. Last evaluated: 2025-09-01. Review status: criteria provided, single submitter. Criteria: CeGaT Center For Human Genetics Tuebingen Variant Classification Criteria Version 2. Collection method: clinical testing. Allele origin: germline. Affected: yes. Observed: 1 variant allele.
Comment: TTC7A: PVS1, PM2

NM_020458.4(TTC7A):c.2090C>A (p.Ser697Ter)

Gene: TTC7A (tetratricopeptide repeat domain 7A; plus strand). Cytogenetic location: 2p21.
Variant type: single nucleotide variant.
Coding change: c.2090C>A on transcript NM_020458.4 (MANE Select); coding-DNA position 2090, C replaced by A.
Protein change: p.Ser697Ter; replaces serine 697 with a stop codon.
Molecular consequence: nonsense.
Genome position (GRCh38, 1-based): chr2:47,051,818, C>A. VCF-style: chr2-47051818-C-A. GRCh37 (hg19) VCF-style: chr2-47278957-C-A.
Other names: c.2162C>A, p.Ser721Ter (NM_001288951.2); c.1988C>A, p.Ser663Ter (NM_001288953.2); c.1028C>A, p.Ser343Ter (NM_001288955.2); short protein forms S343*, S663*, S697*, S721*.
Identifiers: ClinVar variation 4281475 (VCV004281475.7).